The following is an entry in ClinVar:

NM_001142864.4(PIEZO1):c.7234C>T (p.Arg2412Trp)

Gene: PIEZO1 (piezo type mechanosensitive ion channel component 1 (Er blood group); minus strand). Cytogenetic location: 16q24.3.
Variant type: single nucleotide variant.
Coding change: c.7234C>T on transcript NM_001142864.4 (MANE Select); coding-DNA position 7234, C replaced by T.
Protein change: p.Arg2412Trp; replaces arginine 2412 with tryptophan.
Molecular consequence: missense variant.
Genome position (GRCh38, 1-based): chr16:88,716,015, G>A on the plus strand (C>T on the coding strand, the complement: PIEZO1 is on the minus strand). VCF-style: chr16-88716015-G-A. GRCh37 (hg19) VCF-style: chr16-88782423-G-A.
Other names: p.Arg2412Trp; c.5776C>T, p.Arg1926Trp (NM_014745.1); short protein forms R1926W, R2412W.
Identifiers: ClinVar variation 2683386 (VCV002683386.5), dbSNP rs577922766, ClinGen allele CA8231376.
Genomic context (GRCh38, chr16:88,716,015, plus strand): 5'-GGCTCGGTGGGCTGACCTTGTCACTGAAAATGACCATGGGCAGCAGGTTGCAGTCGGTCC[G>A]GCACTCCTGCAGCTCGATGACCCACCATTCGAGGAAGCCGGTGGCCCCCGCACCCTGCTC-3'
Protein context (NP_001136336.2, residues 2402-2422): EWWVIELQEC[Arg2412Trp]TDCNLLPMVI

ClinVar aggregate classification (germline): Conflicting classifications of pathogenicity. Review status: criteria provided, conflicting classifications (1 of 4 stars). 3 submissions from 3 submitters: Uncertain significance (2); Benign (1). Last evaluated 2024-08-06.

gnomAD v4.1: 68 of 1,550,084 alleles (0.0044%); highest among the groups gnomAD compares: Admixed American, 0.0098%; no homozygotes.

Submissions (3):

Revvity Omics, Revvity
Classification: Uncertain significance. Last evaluated: 2024-08-06. Review status: criteria provided, single submitter. Criteria: ACMG Guidelines, 2015. Collection method: clinical testing. Allele origin: germline.

Labcorp Genetics (formerly Invitae), Labcorp
Classification: Benign. Last evaluated: 2023-06-28. Review status: criteria provided, single submitter. Criteria: Invitae Variant Classification Sherloc (09022015). Collection method: clinical testing. Allele origin: germline.

Mayo Clinic Laboratories, Mayo Clinic
Classification: Uncertain significance. Last evaluated: 2022-10-18. Review status: criteria provided, single submitter. Criteria: ACMG Guidelines, 2015. Collection method: clinical testing. Allele origin: germline. Observed: 1 variant allele.
Comment: PM2